The following is an entry in ClinVar:

ClinVar aggregate classification (germline): Likely pathogenic. Review status: criteria provided, multiple submitters, no conflicts (2 of 4 stars). 2 submissions from 2 submitters: Likely pathogenic (2). Last evaluated 2025-09-04.

Conditions:
Medium-chain acyl-coenzyme A dehydrogenase deficiency (ACADMD). Also called: ACADM DEFICIENCY; MCADD; CARNITINE DEFICIENCY SECONDARY TO MEDIUM-CHAIN ACYL-CoA DEHYDROGENASE DEFICIENCY; Medium chain acyl-CoA dehydrogenase deficiency; MCADH DEFICIENCY; MCAD Deficiency. Identifiers: Orphanet 42, MedGen C0220710, MONDO:0008721, OMIM 201450.

Submissions (2):

Natera, Inc.
Classification: Likely pathogenic for Medium Chain Acyl-CoA Dehydrogenase Deficiency. Last evaluated: 2025-09-04. Review status: criteria provided, single submitter. Criteria: Natera Variant Classification Schema (03/2026). Collection method: clinical testing. Allele origin: germline.
Comment: The c.469-2A>G variant in ACADM is a canonical splice acceptor site variant predicted to affect pre-mRNA splicing, which may result in an abnormal transcript and altered protein product. This variant is expected to result in nonsense mediated decay, truncation, or a dysfunctional protein product. This variant is rare in the general population with a frequency below the threshold expected for the associated phenotype(s). Given the available evidence, this variant is classified as Likely Pathogenic.

Labcorp Genetics (formerly Invitae), Labcorp
Classification: Likely pathogenic for Medium-chain acyl-coenzyme A dehydrogenase deficiency. Last evaluated: 2022-11-27. Review status: criteria provided, single submitter. Criteria: Invitae Variant Classification Sherloc (09022015). Collection method: clinical testing. Allele origin: germline.
Comment: This sequence change affects an acceptor splice site in intron 6 of the ACADM gene. It is expected to disrupt RNA splicing. Variants that disrupt the donor or acceptor splice site typically lead to a loss of protein function (PMID: 16199547), and loss-of-function variants in ACADM are known to be pathogenic (PMID: 16121256, 20434380). This variant is not present in population databases (gnomAD no frequency). This variant has not been reported in the literature in individuals affected with ACADM-related conditions. Algorithms developed to predict the effect of sequence changes on RNA splicing suggest that this variant may disrupt the consensus splice site. In summary, the currently available evidence indicates that the variant is pathogenic, but additional data are needed to prove that conclusively. Therefore, this variant has been classified as Likely Pathogenic.

Literature cited by the submitters: PubMed 16199547 (cited by Labcorp Genetics (formerly Invitae), Labcorp); PubMed 16121256 (cited by Labcorp Genetics (formerly Invitae), Labcorp); PubMed 20434380 (cited by Labcorp Genetics (formerly Invitae), Labcorp).

NM_000016.6(ACADM):c.469-2A>G

Gene: ACADM (acyl-CoA dehydrogenase medium chain; plus strand). Cytogenetic location: 1p31.1.
Variant type: single nucleotide variant.
Coding change: c.469-2A>G on transcript NM_000016.6 (MANE Select); the canonical splice acceptor site of the intron before coding-DNA position 469, A replaced by G.
Molecular consequence: splice acceptor variant.
Genome position (GRCh38, 1-based): chr1:75,739,978, A>G. VCF-style: chr1-75739978-A-G. GRCh37 (hg19) VCF-style: chr1-76205663-A-G.
Other names: c.469-2A>G (NM_000016.5); c.481-2A>G (NM_001127328.3); c.568-2A>G (NM_001286043.2); c.361-2A>G (NM_001286042.2); c.-99-2A>G (NM_001286044.2).
Identifiers: ClinVar variation 2804831 (VCV002804831.4), dbSNP rs1553123857, ClinGen allele CA340814773.